The following is an entry in ClinVar:

NM_002693.3(POLG):c.3488dup (p.Met1163fs)

Gene: POLG (DNA polymerase gamma, catalytic subunit; minus strand). Cytogenetic location: 15q26.1.
Variant type: Duplication.
Coding change: c.3488dup on transcript NM_002693.3 (MANE Select); coding-DNA position 3488, one base duplicated (T; older notation c.3488dupT).
Protein change: p.Met1163fs; shifts the reading frame from methionine 1163.
Molecular consequence: frameshift variant.
Genome position (GRCh38, 1-based): chr15:89,317,531, A duplicated on the plus strand (T on the coding strand, the reverse complement: POLG is on the minus strand). VCF-style (leftmost placement, unchanged base first): chr15-89317530-C-CA. GRCh37 (hg19) VCF-style: chr15-89860761-C-CA.
Other names: c.3488dup, p.Met1163fs (NM_001126131.2); short protein forms M1163fs.
Identifiers: ClinVar variation 5004656 (VCV005004656.1).

ClinVar aggregate classification (germline): Pathogenic (1 of 4 stars; one submission).

Conditions:
POLG-related disorder. Also called: POLG-related condition; POLG-Related Disorders; POLG-Related Spectrum Disorders. Identifiers: MedGen C4763519.

Submission:

Myriad Genetics, Inc.
Classification: Pathogenic for POLG-related disorder. Last evaluated: 2026-05-07. Review status: criteria provided, single submitter. Criteria: Myriad Autosomal Dominant, Autosomal Recessive and X-Linked Classification Criteria (2023). Collection method: clinical testing. Allele origin: unknown.
Comment: NM_002693.2(POLG):c.3488dupT(M1163Ifs*10) is a frameshift variant classified as pathogenic in the context of POLG-related disorders. M1163Ifs*10 has not been observed in cases with relevant disease. Relevant functional assessments of this variant are not available in the literature. M1163Ifs*10 has not been observed in referenced population frequency databases. In summary, NM_002693.2(POLG):c.3488dupT(M1163Ifs*10) is a frameshift variant in a gene where loss of function is a known mechanism of disease and is predicted to disrupt protein function. Please note: this variant was assessed in the context of healthy population screening.